The following is an entry in ClinVar:

ClinVar aggregate classification (germline): Benign. Review status: criteria provided, multiple submitters, no conflicts (2 of 4 stars). 3 submissions from 3 submitters: Benign (3). Last evaluated 2021-05-12.

Conditions:
Episodic ataxia type 1 (EA1). Also called: ATAXIA, EPISODIC, WITH MYOKYMIA; MYOKYMIA WITH PERIODIC ATAXIA; PAROXYSMAL ATAXIA WITH NEUROMYOTONIA, HEREDITARY; Episodic ataxia/myokymia syndrome. Identifiers: Orphanet 37612, Orphanet 972, MedGen C1719788, MONDO:0008047, OMIM 160120.

Allele frequency attached by ClinVar (database versions not stated): gnomAD exomes 0.42269; gnomAD 0.47680 and 0.47703; TOPMed 0.49021; 1000 Genomes Project 30x 0.49750; 1000 Genomes Project 0.49900.
gnomAD v4.1: 78,900 of 167,000 alleles (47%); highest among the groups gnomAD compares: Middle Eastern, 66%; 18,814 homozygotes.

Submissions (3):

GeneDx
Classification: Benign. Last evaluated: 2021-05-12. Review status: criteria provided, single submitter. Criteria: GeneDx Variant Classification Process June 2021. Collection method: clinical testing. Allele origin: germline. Affected: yes.

Illumina Laboratory Services, Illumina
Classification: Benign for Episodic ataxia type 1. Last evaluated: 2018-01-13. Review status: criteria provided, single submitter. Criteria: ICSL Variant Classification Criteria 13 December 2019. Collection method: clinical testing. Allele origin: germline.
Comment: This variant was observed in the ICSL laboratory as part of a predisposition screen in an ostensibly healthy population. It had not been previously curated by ICSL or reported in the Human Gene Mutation Database (HGMD: prior to June 1st, 2018), and was therefore a candidate for classification through an automated scoring system. Utilizing variant allele frequency, disease prevalence and penetrance estimates, and inheritance mode, an automated score was calculated to assess if this variant is too frequent to cause the disease. Based on the score and internal cut-off values, a variant classified as benign is not then subjected to further curation. The score for this variant resulted in a classification of benign for this disease.

Breakthrough Genomics
Classification: Benign. Review status: criteria provided, single submitter. Criteria: ACMG Guidelines, 2015. Collection method: not provided. Allele origin: germline. Inheritance: Autosomal dominant inheritance. Affected: yes.

NM_000217.3(KCNA1):c.*3062T>C

Gene: KCNA1 (potassium voltage-gated channel subfamily A member 1; plus strand). Cytogenetic location: 12p13.32.
Variant type: single nucleotide variant.
Coding change: c.*3062T>C on transcript NM_000217.3 (MANE Select); 3062 bases downstream of the stop codon, T replaced by C.
Molecular consequence: 3 prime UTR variant.
Genome position (GRCh38, 1-based): chr12:4,915,928, T>C. VCF-style: chr12-4915928-T-C. GRCh37 (hg19) VCF-style: chr12-5025094-T-C.
Identifiers: ClinVar variation 309196 (VCV000309196.9), dbSNP rs10849174, ClinGen allele CA10632991.
Genomic context (GRCh38, chr12:4,915,928, plus strand): 5'-ACTGGTTGATTCTTCTGCATGTGATATAGAAAAAAGTGCTGCATGCGGTGAACCTGTCAG[T>C]CTGGGACTGGGGGTGAGTTGTTGTTATGAGTTTGGGGTGGTGTGAGGAAAGTGAATGCTG-3'